The following is an entry in ClinVar:

NM_001145165.2(DOHH):c.455C>T (p.Pro152Leu)

Gene: DOHH (deoxyhypusine hydroxylase; minus strand). Cytogenetic location: 19p13.3.
Variant type: single nucleotide variant.
Coding change: c.455C>T on transcript NM_001145165.2 (MANE Select); coding-DNA position 455, C replaced by T.
Protein change: p.Pro152Leu; replaces proline 152 with leucine.
Molecular consequence: missense variant.
Genome position (GRCh38, 1-based): chr19:3,492,396, G>A on the plus strand (C>T on the coding strand, the complement: DOHH is on the minus strand). VCF-style: chr19-3492396-G-A. GRCh37 (hg19) VCF-style: chr19-3492394-G-A.
Other names: p.P152L; c.455C>T (NM_031304.4, NM_001145165.1); c.455C>T, p.Pro152Leu (NM_031304.5); short protein forms P152L.
Identifiers: ClinVar variation 1285604 (VCV001285604.11), dbSNP rs553950608, ClinGen allele CA9077898.
Genomic context (GRCh38, chr19:3,492,396, plus strand): 5'-AGCGGCCGGGACTCATCCAGCAGCGCCTCCCGCAGGCGCCCCACGTCACGCTCCTCAGCC[G>A]GCGGGGCAGGGTCCACGGAGAGGTAGGGTCCCGCCGCCGGCTCCCCGCCGTGCTGCTGCA-3'
Protein context (NP_001138637.1, residues 142-162): GPYLSVDPAP[Pro152Leu]AEERDVGRLR

ClinVar aggregate classification (germline): Conflicting classifications of pathogenicity. Review status: criteria provided, conflicting classifications (1 of 4 stars). 9 submissions from 9 submitters: Likely pathogenic (3); Uncertain significance (2). 4 of the submissions do not count toward it. Last evaluated 2024-10-28.

Conditions:
DOHH-related disorder. Also called: DOHH-related condition.
Neurodevelopmental disorder with microcephaly, cerebral atrophy, and visual impairment (NEDMVIC). Identifiers: MedGen C5774225, MONDO:0859293, OMIM 620066.
DOHH related neurodevelopmental disorder.
Complex neurodevelopmental disorder. Identifiers: Orphanet 528084, MedGen C5568766, MONDO:0100038.

Allele frequency attached by ClinVar (database versions not stated): ExAC 0.00032; gnomAD 0.00043 and 0.00044; 1000 Genomes Project 30x 0.00031; 1000 Genomes Project 0.00040; TOPMed 0.00036.
gnomAD v4.1: 910 of 1,529,612 alleles (0.059%); highest among the groups gnomAD compares: Non-Finnish European, 0.074%; no homozygotes.

Submissions (9):

Blueprint Genetics
Classification: Likely pathogenic for DOHH-related disorders. Last evaluated: 2024-10-28. Review status: criteria provided, single submitter. Criteria: ACMG Guidelines, 2015. Collection method: clinical testing. Allele origin: germline. Affected: yes. Observed: 5 variant alleles.

Victorian Clinical Genetics Services, Murdoch Childrens Research Institute
Classification: Uncertain significance for Neurodevelopmental disorder with microcephaly, cerebral atrophy, and visual impairment. Last evaluated: 2024-10-14. Review status: criteria provided, single submitter. Criteria: ACMG Guidelines, 2015. Collection method: clinical testing. Allele origin: germline. Affected: yes.
Comment: This variant is classified as VUS-3A. Evidence in support of pathogenic classification: Variant is present in gnomAD <0.01 for a recessive condition (v4: 910 heterozygote(s), 0 homozygote(s)); This variant has limited previous evidence of pathogenicity in unrelated individuals. This variant has been classified once as likely pathogenic and once as a VUS by clinical laboratories in ClinVar, and has been reported in the literature in a compound heterozygous individual with a neurodevelopmental disorder (PMID: 35858628). Additional information: Variant is predicted to result in a missense amino acid change from proline to leucine; This variant is homozygous; This gene is associated with autosomal recessive disease; An alternative amino acid change at the same position has been observed in gnomAD (v4: 1 heterozygote(s), 0 homozygote(s)); No published segregation evidence has been identified for this variant; Functional evidence for this variant is inconclusive. Studies done on patient fibroblasts from a compound heterozygous individual revealed decreased DOHH protein expression; however, enzyme activity measured in E.coli revealed no change when compared with wild-type (PMID: 35858628); No comparable missense variants have previous evidence for pathogenicity; Variant is not located in an established domain, motif, hotspot or informative constraint region; Missense variant with an inconclusive in silico prediction and uninformative conservation; Loss of function is a known mechanism of disease in this gene and is associated with neurodevelopmental disorder with microcephaly, cerebral atrophy, and visual impairment (MIM#620066); Inheritance information for this variant is not currently available in this individual.

Women's Health and Genetics/Laboratory Corporation of America, LabCorp
Classification: Uncertain significance. Last evaluated: 2024-04-23. Review status: criteria provided, single submitter. Criteria: LabCorp Variant Classification Summary - May 2015. Collection method: clinical testing. Allele origin: germline.
Comment: Variant summary: DOHH c.455C>T (p.Pro152Leu) results in a non-conservative amino acid change in the encoded protein sequence. Five of five in-silico tools predict a damaging effect of the variant on protein function. The variant allele was found at a frequency of 0.0002 in 122338 control chromosomes (gnomAD). c.455C>T has been reported in the literature in the compound heterozygous state in an individual affected with Neurodevelopmental Disorder with cortical atrophy, ventricular dilatation, thin corpus callosum, and visual impairment (Ziegler_2022). These data do not allow any conclusion about variant significance. This publication reports experimental evidence evaluating an impact on protein function, finding that the variant resulted in DOHH activity similar to the wild type. However, the authors suggest the variant may result in reduced stability, and the amount of DOHH protein in the patient's fibroblasts was reduced. The following publication has been ascertained in the context of this evaluation (PMID: 35858628). ClinVar contains an entry for this variant (Variation ID: 1285604). Based on the evidence outlined above, the variant was classified as uncertain significance.

3billion
Classification: Likely pathogenic for Neurodevelopmental disorder with microcephaly, cerebral atrophy, and visual impairment. Review status: criteria provided, single submitter. Criteria: ACMG Guidelines, 2015. Collection method: clinical testing. Allele origin: unknown. Affected: yes. Observed: 1 homozygote.
Comment: The variant is observed at an extremely low frequency in the gnomAD v2.1.1 dataset (total allele frequency: 0.023%). Missense changes are a common disease-causing mechanism. Functional studies provide supporting evidence of the variant having a damaging effect on the gene or gene product (PMID: 35858628). In silico tool predictions suggest no damaging effect of the variant on gene or gene product (REVEL: 0.35; 3Cnet: 0.02). Same nucleotide change resulting in same amino acid change has been previously reported to be associated with DOHH -related disorder (ClinVar ID: VCV001285604). The variant has been reported to be in trans with a pathogenic variant as either compound heterozygous or homozygous in at least one similarly affected unrelated individual (PMID: 35858628). Therefore, this variant is classified as Likely pathogenic according to the recommendation of ACMG/AMP guideline.

Clinical Genetics Service, Universitary Hospital 12 de Octubre
Classification: Likely pathogenic for Neurodevelopmental disorder with microcephaly, cerebral atrophy, and visual impairment. Review status: criteria provided, single submitter. Criteria: ACMG Guidelines, 2015. Collection method: clinical testing. Allele origin: germline. Affected: yes.

Service de Génétique Moléculaire, Hôpital Robert Debré
Classification: Likely pathogenic for Complex neurodevelopmental disorder. Last evaluated: 2023-06-21. Review status: no assertion criteria provided. Collection method: research. Allele origin: biparental. Inheritance: Autosomal recessive inheritance. Affected: yes. Observed: 1 variant allele, 1 homozygote. Not counted in ClinVar's aggregate classification.
Comment: Pathogenic variants of this gene have been reported in five patients with a neurodevelopmental disorder, combining microcephaly and brain abnormalities, in an autosomal recessive mode of inheritance (Ziegler et al. 2022; PMID: 35858628). The c.455C>T p.Pro152Leu variant was previously described in one of these patients in a compound heterozygous state. This variant is therefore likely pathogenic.

Undiagnosed Diseases Network, NIH
Classification: Likely pathogenic for DOHH-related condition. Last evaluated: 2022-11-15. Review status: no assertion criteria provided. Collection method: clinical testing. Allele origin: maternal. Affected: yes. Observed: 1 variant allele, 1 homozygote. Not counted in ClinVar's aggregate classification.

OMIM
Classification: Pathogenic for NEURODEVELOPMENTAL DISORDER WITH MICROCEPHALY, CEREBRAL ATROPHY, AND VISUAL IMPAIRMENT. Last evaluated: 2022-09-30. Review status: no assertion criteria provided. Collection method: literature only. Allele origin: germline. Not counted in ClinVar's aggregate classification.

Department of Genetics, CHU d'Angers
Classification: Pathogenic for DOHH related neurodevelopmental disorder. Last evaluated: 2021-09-22. Review status: no assertion criteria provided. Collection method: research. Allele origin: germline. Affected: yes. Not counted in ClinVar's aggregate classification.

Literature cited by the submitters: PubMed 35858628 (cited by 6 submitters).